The following is an entry in ClinVar:

ClinVar aggregate classification (germline): Uncertain significance (1 of 4 stars; one submission).

gnomAD v4.1: 2 of 1,614,130 alleles (0.00012%); highest among the groups gnomAD compares: Admixed American, 0.0033%; no homozygotes.

Submission:

GeneDx
Classification: Uncertain significance. Last evaluated: 2023-05-29. Review status: criteria provided, single submitter. Criteria: GeneDx Variant Classification Process June 2021. Collection method: clinical testing. Allele origin: germline. Affected: yes.
Comment: In silico analysis supports that this missense variant does not alter protein structure/function; Has not been previously published as pathogenic or benign to our knowledge

NM_005529.7(HSPG2):c.8716G>C (p.Val2906Leu)

Gene: HSPG2 (heparan sulfate proteoglycan 2; minus strand). Cytogenetic location: 1p36.12.
Variant type: single nucleotide variant.
Coding change: c.8716G>C on transcript NM_005529.7 (MANE Select); coding-DNA position 8716, G replaced by C.
Protein change: p.Val2906Leu; replaces valine 2906 with leucine.
Molecular consequence: missense variant.
Genome position (GRCh38, 1-based): chr1:21,843,339, C>G on the plus strand (G>C on the coding strand, the complement: HSPG2 is on the minus strand). VCF-style: chr1-21843339-C-G. GRCh37 (hg19) VCF-style: chr1-22169832-C-G.
Other names: c.8719G>C, p.Val2907Leu (NM_001291860.2); short protein forms V2906L, V2907L.
Identifiers: ClinVar variation 3359329 (VCV003359329.1).